The following is an entry in ClinVar:

ClinVar aggregate classification (germline): Uncertain significance (1 of 4 stars; one submission).

Allele frequency attached by ClinVar (database versions not stated): gnomAD 0.00001; gnomAD exomes 0.00001; TOPMed 0.00001; ExAC 0.00002; 1000 Genomes Project 30x 0.00016; 1000 Genomes Project 0.00020.
gnomAD v4.1: 20 of 1,614,184 alleles (0.0012%); highest among the groups gnomAD compares: South Asian, 0.013%; no homozygotes.

Submission:

Labcorp Genetics (formerly Invitae), Labcorp
Classification: Uncertain significance. Last evaluated: 2023-11-10. Review status: criteria provided, single submitter. Criteria: Invitae Variant Classification Sherloc (09022015). Collection method: clinical testing. Allele origin: germline.
Comment: This sequence change replaces arginine, which is basic and polar, with glutamine, which is neutral and polar, at codon 113 of the IL18BP protein (p.Arg113Gln). This variant is present in population databases (rs556802831, gnomAD 0.01%). This variant has not been reported in the literature in individuals affected with IL18BP-related conditions. Algorithms developed to predict the effect of missense changes on protein structure and function output the following: SIFT: "Not Available"; PolyPhen-2: "Benign"; Align-GVGD: "Not Available". The glutamine amino acid residue is found in multiple mammalian species, which suggests that this missense change does not adversely affect protein function. In summary, the available evidence is currently insufficient to determine the role of this variant in disease. Therefore, it has been classified as a Variant of Uncertain Significance.

NM_001039660.2(IL18BP):c.338G>A (p.Arg113Gln)

Gene: IL18BP (interleukin 18 binding protein; plus strand). Cytogenetic location: 11q13.4.
Variant type: single nucleotide variant.
Coding change: c.338G>A on transcript NM_001039660.2 (MANE Select); coding-DNA position 338, G replaced by A.
Protein change: p.Arg113Gln; replaces arginine 113 with glutamine.
Molecular consequence: missense variant. On other transcripts: intron variant (1).
Genome position (GRCh38, 1-based): chr11:72,001,303, G>A. VCF-style: chr11-72001303-G-A. GRCh37 (hg19) VCF-style: chr11-71712349-G-A.
Other names: c.338G>A, p.Arg113Gln (NM_001039659.2, NM_001145057.1, NM_005699.3 and 2 more transcripts); c.236-481G>A (NM_001145055.1); short protein forms R113Q.
Identifiers: ClinVar variation 2916150 (VCV002916150.3), dbSNP rs556802831, ClinGen allele CA6166189.